The following is an entry in ClinVar:

NM_006206.6(PDGFRA):c.3190G>A (p.Asp1064Asn)

Gene: PDGFRA (platelet derived growth factor receptor alpha; plus strand). Cytogenetic location: 4q12.
Variant type: single nucleotide variant.
Coding change: c.3190G>A on transcript NM_006206.6 (MANE Select); coding-DNA position 3190, G replaced by A.
Protein change: p.Asp1064Asn; replaces aspartic acid 1064 with asparagine.
Molecular consequence: missense variant.
Genome position (GRCh38, 1-based): chr4:54,295,192, G>A. VCF-style: chr4-54295192-G-A. GRCh37 (hg19) VCF-style: chr4-55161359-G-A.
Other names: c.3265G>A, p.Asp1089Asn (NM_001347828.2); c.3190G>A, p.Asp1064Asn (NM_001347829.2); c.3229G>A, p.Asp1077Asn (NM_001347830.2); short protein forms D1064N, D1077N, D1089N.
Identifiers: ClinVar variation 2141870 (VCV002141870.5), dbSNP rs2110358718, ClinGen allele CA356896590.
Genomic context (GRCh38, chr4:54,295,192, plus strand): 5'-ACCTCTGAAGAGAGTGCCATTGAGACGGGTTCCAGCAGTTCCACCTTCATCAAGAGAGAG[G>A]ACGAGACCATTGAAGACATCGACATGATGGATGACATCGGCATAGACTCTTCAGACCTGG-3'
Protein context (NP_006197.1, residues 1054-1074): SSSSTFIKRE[Asp1064Asn]ETIEDIDMMD

ClinVar aggregate classification (germline): Uncertain significance. Review status: criteria provided, multiple submitters, no conflicts (2 of 4 stars). 2 submissions from 2 submitters: Uncertain significance (2). Last evaluated 2025-08-07.

Conditions:
Gastrointestinal stromal tumor. Also called: Gastrointestinal stroma tumor; Gastrointestinal stromal tumor, somatic. Identifiers: Orphanet 44890, MedGen C0238198, MeSH D046152, MONDO:0011719, OMIM 606764, HP:0100723.
Hereditary cancer-predisposing syndrome. Also called: Hereditary Cancer Syndrome; Hereditary neoplastic syndrome; Neoplastic Syndromes, Hereditary; Tumor predisposition. Identifiers: Orphanet 140162, MedGen C0027672, MeSH D009386, MONDO:0015356.

Submissions (2):

Labcorp Genetics (formerly Invitae), Labcorp
Classification: Uncertain significance for Gastrointestinal stromal tumor. Last evaluated: 2025-08-07. Review status: criteria provided, single submitter. Criteria: Invitae Variant Classification Sherloc (09022015). Collection method: clinical testing. Allele origin: germline.
Comment: This sequence change replaces aspartic acid, which is acidic and polar, with asparagine, which is neutral and polar, at codon 1064 of the PDGFRA protein (p.Asp1064Asn). This variant is not present in population databases (gnomAD no frequency). This variant has not been reported in the literature in individuals affected with PDGFRA-related conditions. ClinVar contains an entry for this variant (Variation ID: 2141870). Invitae Evidence Modeling of protein sequence and biophysical properties (such as structural, functional, and spatial information, amino acid conservation, physicochemical variation, residue mobility, and thermodynamic stability) indicates that this missense variant is not expected to disrupt PDGFRA protein function with a negative predictive value of 80%. In summary, the available evidence is currently insufficient to determine the role of this variant in disease. Therefore, it has been classified as a Variant of Uncertain Significance.

Ambry Genetics
Classification: Uncertain significance for Hereditary cancer-predisposing syndrome. Last evaluated: 2024-12-29. Review status: criteria provided, single submitter. Criteria: Ambry Variant Classification Scheme 2023. Collection method: clinical testing. Allele origin: germline.
Comment: The p.D1064N variant (also known as c.3190G>A), located in coding exon 22 of the PDGFRA gene, results from a G to A substitution at nucleotide position 3190. The aspartic acid at codon 1064 is replaced by asparagine, an amino acid with highly similar properties. This amino acid position is conserved. In addition, this alteration is predicted to be tolerated by in silico analysis. Based on the available evidence, the clinical significance of this variant remains unclear.